The following is an entry in ClinVar:

NM_000142.5(FGFR3):c.1855G>A (p.Ala619Thr)

Gene: FGFR3 (fibroblast growth factor receptor 3; plus strand). Cytogenetic location: 4p16.3.
Variant type: single nucleotide variant.
Coding change: c.1855G>A on transcript NM_000142.5 (MANE Select); coding-DNA position 1855, G replaced by A.
Protein change: p.Ala619Thr; replaces alanine 619 with threonine.
Molecular consequence: missense variant. On other transcripts: non-coding transcript variant (1).
Genome position (GRCh38, 1-based): chr4:1,806,069, G>A. VCF-style: chr4-1806069-G-A. GRCh37 (hg19) VCF-style: chr4-1807796-G-A.
Other names: c.1861G>A, p.Ala621Thr (NM_001163213.2); c.1858G>A, p.Ala620Thr (NM_001354809.2, NM_001354810.2); c.1519G>A, p.Ala507Thr (NM_022965.4); short protein forms A507T, A621T, A619T, A620T.
Identifiers: ClinVar variation 4997909 (VCV004997909.1).
Genomic context (GRCh38, chr4:1,806,069, plus strand): 5'-GAGGTGGAGAGGCTTCAGCCCTGCCTCCCACCCCTTCCCCAGTGCATCCACAGGGACCTG[G>A]CTGCCCGCAATGTGCTGGTGACCGAGGACAACGTGATGAAGATCGCAGACTTCGGGCTGG-3'
Protein context (NP_000133.1, residues 609-629): ASQKCIHRDL[Ala619Thr]ARNVLVTEDN

ClinVar aggregate classification (germline): Uncertain significance (1 of 4 stars; one submission).

Conditions:
FGFR3-related disorder. Also called: FGFR3-related disorders.

Submission:

PreventionGenetics, part of Exact Sciences
Classification: Uncertain significance for FGFR3-related condition. Last evaluated: 2024-12-10. Review status: criteria provided, single submitter. Criteria: ACMG Guidelines, 2015. Collection method: clinical testing. Allele origin: germline.
Comment: The FGFR3 c.1855G>A variant is predicted to result in the amino acid substitution p.Ala619Thr. To our knowledge, this variant has not been reported in the literature or in a large population database (gnomAD), indicating this variant is rare. At this time, the clinical significance of this variant is uncertain due to the absence of conclusive functional and genetic evidence.